The following is an entry in ClinVar:

ClinVar aggregate classification (germline): Uncertain significance. Review status: criteria provided, multiple submitters, no conflicts (2 of 4 stars). 2 submissions from 2 submitters: Uncertain significance (2). Last evaluated 2024-12-16.

Conditions:
Hereditary cancer-predisposing syndrome. Also called: Neoplastic Syndromes, Hereditary; Tumor predisposition; Hereditary Cancer Syndrome; Hereditary neoplastic syndrome. Identifiers: Orphanet 140162, MedGen C0027672, MeSH D009386, MONDO:0015356.
Familial cancer of breast. Also called: BREAST CANCER, FAMILIAL; Hereditary breast cancer; hereditary breast carcinoma. Identifiers: Orphanet 227535, MedGen C0346153, MONDO:0016419, OMIM 114480. Disease mechanism: loss of function.

Submissions (2):

Ambry Genetics
Classification: Uncertain significance for Hereditary cancer-predisposing syndrome. Last evaluated: 2024-12-16. Review status: criteria provided, single submitter. Criteria: Ambry Variant Classification Scheme 2023. Collection method: clinical testing. Allele origin: germline.
Comment: The p.W114G variant (also known as c.340T>G), located in coding exon 2 of the CHEK2 gene, results from a T to G substitution at nucleotide position 340. The tryptophan at codon 114 is replaced by glycine, an amino acid with highly dissimilar properties. This amino acid position is well conserved in available vertebrate species. In addition, this alteration is predicted to be deleterious by in silico analysis. Based on the available evidence, the clinical significance of this variant remains unclear.

Labcorp Genetics (formerly Invitae), Labcorp
Classification: Uncertain significance for Familial cancer of breast. Last evaluated: 2019-12-13. Review status: criteria provided, single submitter. Criteria: Invitae Variant Classification Sherloc (09022015). Collection method: clinical testing. Allele origin: germline.
Comment: In summary, the available evidence is currently insufficient to determine the role of this variant in disease. Therefore, it has been classified as a Variant of Uncertain Significance. Algorithms developed to predict the effect of missense changes on protein structure and function are either unavailable or do not agree on the potential impact of this missense change (SIFT: "Deleterious"; PolyPhen-2: "Possibly Damaging"; Align-GVGD: "Class C15"). This variant has not been reported in the literature in individuals with CHEK2-related conditions. ClinVar contains an entry for this variant (Variation ID: 483368). This variant is not present in population databases (ExAC no frequency). This sequence change replaces tryptophan with glycine at codon 114 of the CHEK2 protein (p.Trp114Gly). The tryptophan residue is highly conserved and there is a large physicochemical difference between tryptophan and glycine.

NM_007194.4(CHEK2):c.340T>G (p.Trp114Gly)

Gene: CHEK2 (checkpoint kinase 2; minus strand). Cytogenetic location: 22q12.1.
Variant type: single nucleotide variant.
Coding change: c.340T>G on transcript NM_007194.4 (MANE Select); coding-DNA position 340, T replaced by G.
Protein change: p.Trp114Gly; replaces tryptophan 114 with glycine.
Molecular consequence: missense variant.
Genome position (GRCh38, 1-based): chr22:28,725,347, A>C on the plus strand (T>G on the coding strand, the complement: CHEK2 is on the minus strand). VCF-style: chr22-28725347-A-C. GRCh37 (hg19) VCF-style: chr22-29121335-A-C.
Other names: c.469T>G, p.Trp157Gly (NM_001005735.3); c.-438T>G (NM_001257387.3); c.340T>G, p.Trp114Gly (NM_001349956.3, NM_145862.3); short protein forms W114G, W157G.
Identifiers: ClinVar variation 483368 (VCV000483368.18), dbSNP rs1555927378, ClinGen allele CA411108226.